The following is an entry in ClinVar:

NM_001267550.2(TTN):c.39056C>T (p.Pro13019Leu)

Gene: TTN (titin; minus strand). Cytogenetic location: 2q31.2.
Variant type: single nucleotide variant.
Coding change: c.39056C>T on transcript NM_001267550.2 (MANE Select); coding-DNA position 39056, C replaced by T.
Protein change: p.Pro13019Leu; replaces proline 13019 with leucine.
Molecular consequence: missense variant. On other transcripts: intron variant (3).
Genome position (GRCh38, 1-based): chr2:178,652,529, G>A on the plus strand (C>T on the coding strand, the complement: TTN is on the minus strand). VCF-style: chr2-178652529-G-A. GRCh37 (hg19) VCF-style: chr2-179517256-G-A.
Other names: c.34535C>T, p.Pro11512Leu (NM_001256850.1); c.31754C>T, p.Pro10585Leu (NM_133378.4); c.13283-10212C>T (NM_003319.4); c.13859-10212C>T (NM_133437.4); c.13658-10212C>T (NM_133432.3); short protein forms P13019L, P10585L, P11512L.
Identifiers: ClinVar variation 467104 (VCV000467104.12), dbSNP rs763845436, ClinGen allele CA1996880.
Genomic context (GRCh38, chr2:178,652,529, plus strand): 5'-GTGACTTCAGGCTTTTTAGGAGGAGCCGCTGGCACTTTCTTTTCAGGAACAACTTCTTTC[G>A]GAGCCTCTGGCACTTAAAAGATATTAGTGAAATTACATTTAGAAGTTATGAAGACCATTA-3'
Protein context (NP_001254479.2, residues 13009-13029): EVPPVKVPEA[Pro13019Leu]KEVVPEKKVP

ClinVar aggregate classification (germline): Conflicting classifications of pathogenicity. Review status: criteria provided, conflicting classifications (1 of 4 stars). 5 submissions from 5 submitters: Uncertain significance (4); Likely benign (1). Last evaluated 2026-02-04.

Conditions:
Autosomal recessive limb-girdle muscular dystrophy type 2J (LGMDR10). Also called: Limb-girdle muscular dystrophy, type 2J; MUSCULAR DYSTROPHY, LIMB-GIRDLE, AUTOSOMAL RECESSIVE 10. Identifiers: Orphanet 140922, MedGen C1837342, MONDO:0012127, OMIM 608807.
Dilated cardiomyopathy 1G (CMD1G). Identifiers: Orphanet 154, MedGen C1858763, MONDO:0011400, OMIM 604145.
TTN-related disorder. Also called: TTN-related condition; TTN-related disease; TTN-related disorders.
Arrhythmogenic right ventricular cardiomyopathy (ARVD). Also called: Arrhythmogenic cardiomyopathy; Cardiomyopathy, ARVC; Arrhythmogenic right ventricular dysplasia; Arrhythmogenic Right Ventricular Cardiomyopathy (ARVC). Identifiers: Orphanet 247, MedGen C0349788, MeSH D019571, MONDO:0016587. Disease mechanism: loss of function. Inheritance: Various modes of inheritance.

Allele frequency attached by ClinVar (database versions not stated): gnomAD 0.00003; TOPMed 0.00006.
gnomAD v4.1: 48 of 1,613,396 alleles (0.003%); highest among the groups gnomAD compares: Admixed American, 0.068%; no homozygotes.

Submissions (5):

PreventionGenetics, part of Exact Sciences
Classification: Uncertain significance for TTN-related condition. Last evaluated: 2026-02-04. Review status: criteria provided, single submitter. Criteria: ACMG Guidelines, 2015. Collection method: clinical testing. Allele origin: germline.
Comment: The TTN c.39056C>T variant is predicted to result in the amino acid substitution p.Pro13019Leu. To our knowledge, this variant has not been reported in the literature. This variant is reported in 0.071% of alleles in individuals of Latino descent in gnomAD. Although we suspect that this variant may be benign, at this time, the clinical significance of this variant is uncertain due to the absence of conclusive functional and genetic evidence.

Revvity Omics, Revvity
Classification: Uncertain significance. Last evaluated: 2024-03-13. Review status: criteria provided, single submitter. Criteria: ACMG Guidelines, 2015. Collection method: clinical testing. Allele origin: germline.

Labcorp Genetics (formerly Invitae), Labcorp
Classification: Uncertain significance for Dilated cardiomyopathy 1G; Autosomal recessive limb-girdle muscular dystrophy type 2J. Last evaluated: 2017-09-25. Review status: criteria provided, single submitter. Criteria: Invitae Variant Classification Sherloc (09022015). Collection method: clinical testing. Allele origin: germline.

Eurofins Ntd Llc (ga)
Classification: Uncertain significance. Last evaluated: 2017-03-09. Review status: criteria provided, single submitter. Criteria: EGL Classification Definitions 2015. Collection method: clinical testing. Allele origin: germline. Observed: 4 variant alleles, 4 heterozygotes.

Center for Advanced Laboratory Medicine, UC San Diego Health, University of California San Diego
Classification: Likely benign for Arrhythmogenic right ventricular cardiomyopathy. Last evaluated: 2017-02-22. Review status: criteria provided, single submitter. Criteria: ACMG Guidelines, 2015. Collection method: clinical testing. Allele origin: germline. Affected: yes. Observed: 1 variant allele.